The following is an entry in ClinVar:

NM_000203.5(IDUA):c.1188G>A (p.Leu396=)

Gene: IDUA (alpha-L-iduronidase; plus strand). Cytogenetic location: 4p16.3.
Variant type: single nucleotide variant.
Coding change: c.1188G>A on transcript NM_000203.5 (MANE Select); coding-DNA position 1188, G replaced by A.
Protein change: p.Leu396=; no amino-acid change (leucine 396 retained).
Molecular consequence: synonymous variant. On other transcripts: non-coding transcript variant (1).
Genome position (GRCh38, 1-based): chr4:1,002,484, G>A. VCF-style: chr4-1002484-G-A. GRCh37 (hg19) VCF-style: chr4-996272-G-A.
Other names: c.792G>A, p.Leu264= (NM_001363576.1).
Identifiers: ClinVar variation 1385351 (VCV001385351.4), dbSNP rs747406598, ClinGen allele CA438057518.
Genomic context (GRCh38, chr4:1,002,484, plus strand): 5'-GCCGCACGTGCAGCTGTTGCGCAAGCCGGTGCTCACGGCCATGGGGCTGCTGGCGCTGCT[G>A]GGTGAGCCGGGGCCGCTGGGGTGGGCCGGCCAGGGCCCTCCAGGCTGGGGAGCGGCTCCT-3'
Protein context (NP_000194.2, residues 386-406): VLTAMGLLAL[Leu396=]DEEQLWAEVS

ClinVar aggregate classification (germline): Uncertain significance (1 of 4 stars; one submission).

Conditions:
Mucopolysaccharidosis type 1. Also called: IDUA deficiency; MPS I. Identifiers: Orphanet 579, MedGen C0023786, MONDO:0001586.

gnomAD v4.1: 11 of 1,533,828 alleles (0.00072%); highest among the groups gnomAD compares: East Asian, 0.028%; no homozygotes.

Submission:

Labcorp Genetics (formerly Invitae), Labcorp
Classification: Uncertain significance for Mucopolysaccharidosis type 1. Last evaluated: 2021-10-15. Review status: criteria provided, single submitter. Criteria: Invitae Variant Classification Sherloc (09022015). Collection method: clinical testing. Allele origin: germline.
Comment: In summary, the available evidence is currently insufficient to determine the role of this variant in disease. Therefore, it has been classified as a Variant of Uncertain Significance. Algorithms developed to predict the effect of sequence changes on RNA splicing suggest that this variant may create or strengthen a splice site. This variant has not been reported in the literature in individuals affected with IDUA-related conditions. The frequency data for this variant in the population databases is considered unreliable, as metrics indicate insufficient coverage at this position in the ExAC database. This sequence change affects codon 396 of the IDUA mRNA. It is a 'silent' change, meaning that it does not change the encoded amino acid sequence of the IDUA protein. It affects a nucleotide within the consensus splice site of the intron.